The following is an entry in ClinVar:

NM_000133.4(F9):c.211T>C (p.Phe71Leu)

Gene: F9 (coagulation factor IX; plus strand). Cytogenetic location: Xq27.1.
Variant type: single nucleotide variant.
Coding change: c.211T>C on transcript NM_000133.4 (MANE Select); coding-DNA position 211, T replaced by C.
Protein change: p.Phe71Leu; replaces phenylalanine 71 with leucine.
Molecular consequence: missense variant.
Genome position (GRCh38, 1-based): chrX:139,537,132, T>C. VCF-style: chrX-139537132-T-C. GRCh37 (hg19) VCF-style: chrX-138619291-T-C.
Other names: c.211T>C, p.Phe71Leu (NM_001313913.2); short protein forms F71L.
Identifiers: ClinVar variation 3753961 (VCV003753961.2).

ClinVar aggregate classification (germline): Uncertain significance (1 of 4 stars; one submission).

Conditions:
Hereditary factor IX deficiency disease (HEMB). Also called: F9 DEFICIENCY; FACTOR IX DEFICIENCY; PLASMA THROMBOPLASTIN COMPONENT DEFICIENCY; Hemophilia B; Christmas Disease. Identifiers: Orphanet 98879, MedGen C0008533, MeSH D002836, MONDO:0010604, OMIM 306900.
Thrombophilia, X-linked, due to factor 9 defect. Identifiers: MedGen C2749016, MONDO:0010432, OMIM 300807.

Submission:

Labcorp Genetics (formerly Invitae), Labcorp
Classification: Uncertain significance for Thrombophilia, X-linked, due to factor 9 defect; Hereditary factor IX deficiency disease. Last evaluated: 2024-07-05. Review status: criteria provided, single submitter. Criteria: Invitae Variant Classification Sherloc (09022015). Collection method: clinical testing. Allele origin: germline.
Comment: This sequence change replaces phenylalanine, which is neutral and non-polar, with leucine, which is neutral and non-polar, at codon 71 of the F9 protein (p.Phe71Leu). This variant is not present in population databases (gnomAD no frequency). This variant has not been reported in the literature in individuals affected with F9-related conditions. Advanced modeling of protein sequence and biophysical properties (such as structural, functional, and spatial information, amino acid conservation, physicochemical variation, residue mobility, and thermodynamic stability) has been performed at Invitae for this missense variant, however the output from this modeling did not meet the statistical confidence thresholds required to predict the impact of this variant on F9 protein function. This variant disrupts the p.Phe71 amino acid residue in F9. Other variant(s) that disrupt this residue have been determined to be pathogenic (PMID: 1346077, 19699296, 22639855). This suggests that this residue is clinically significant, and that variants that disrupt this residue are likely to be disease-causing. In summary, the available evidence is currently insufficient to determine the role of this variant in disease. Therefore, it has been classified as a Variant of Uncertain Significance.

Literature cited by the submitters: PubMed 1346077; PubMed 19699296; PubMed 22639855.